The following is an entry in ClinVar:

ClinVar aggregate classification (germline): Conflicting classifications of pathogenicity. Review status: criteria provided, conflicting classifications (1 of 4 stars). 8 submissions from 8 submitters: Pathogenic (2); Likely pathogenic (5); Uncertain significance (1). Last evaluated 2026-06-16.

Conditions:
Primary ciliary dyskinesia. Also called: Ciliary dyskinesia. Identifiers: Orphanet 244, MedGen C0008780, MONDO:0016575, HP:0012265.
Primary ciliary dyskinesia 3. Identifiers: Orphanet 244, MedGen C1837618, MONDO:0012085, OMIM 608644.

Allele frequency attached by ClinVar (database versions not stated): ExAC 0.00002; gnomAD exomes 0.00002.
gnomAD v4.1: 33 of 1,613,822 alleles (0.002%); highest among the groups gnomAD compares: Admixed American, 0.015%; no homozygotes.

Submissions (8):

Victorian Clinical Genetics Services, Murdoch Childrens Research Institute
Classification: Pathogenic for Primary ciliary dyskinesia 3. Last evaluated: 2026-06-16. Review status: criteria provided, single submitter. Criteria: ACMG Guidelines, 2015. Collection method: clinical testing. Allele origin: germline. Affected: yes.
Comment: This variant is classified as Pathogenic. Evidence in support of pathogenic classification: Variant is present in gnomAD <0.01 for a recessive condition (v4: 33 heterozygote(s), 0 homozygote(s)); This variant has strong previous evidence of pathogenicity in unrelated individuals. This variant has been classified as pathogenic and likely pathogenic by multiple clinical laboratories in ClinVar. It has also been reported in the literature in compound heterozygous individuals with primary ciliary dyskinesia (PMIDs: 33577779, 32253119, 31772028); Missense variant predicted to be damaging by in silico tool(s) or highly conserved with a major amino acid change. Additional information: Variant is predicted to result in a missense amino acid change from Arg to Cys; This variant is heterozygous; This gene is associated with autosomal recessive disease; Alternative amino acid change(s) at the same position are present in gnomAD (highest allele count: v4: 13 heterozygote(s), 0 homozygote(s)). - No published evidence of segregation with disease has been identified for this variant; No published functional evidence has been identified for this variant; Another missense variant(s) comparable to the one identified in this case has inconclusive previous evidence for pathogenicity. p.(Arg2771His) has been classified as a VUS by clinical laboratories in ClinVar; Variant is located in the annotated AAA+ lid domain (DECIPHER). - Loss of function is a known mechanism of disease in this gene and is associated with ciliary dyskinesia, primary, 3, with or without situs inversus (MIM#608644); Inheritance information for this variant is not currently available in this individual.

GeneDx
Classification: Likely pathogenic. Last evaluated: 2026-02-11. Review status: criteria provided, single submitter. Criteria: GeneDx Variant Classification Process June 2021. Collection method: clinical testing. Allele origin: germline. Affected: yes.
Comment: In silico analysis supports that this missense variant has a deleterious effect on protein structure/function; This variant is associated with the following publications: (PMID: 32622824, 31772028, 32253119, 33577779, Guo2022[casereport])

Dasa
Classification: Likely pathogenic. Last evaluated: 2025-12-23. Review status: criteria provided, single submitter. Criteria: DASA Assertion Criteria. Collection method: clinical testing. Allele origin: germline.
Comment: NM_001369.3(DNAH5):c.8311C>T (p.Arg2771Cys) is a missense variant that results in the substitution of arginine with cysteine. The affected residue or protein region has prior evidence supporting clinical relevance. This variant has been recurrently observed in individuals with DNAH5-related disorders (PMID: 31772028; PMID: 32253119; PMID: 33577779; PMID: 40033371). Also, this variant is rare in population databases. Based on the currently available evidence, this variant is classified as likely pathogenic.

Natera, Inc.
Classification: Likely pathogenic for Primary ciliary dyskinesia. Last evaluated: 2025-09-05. Review status: criteria provided, single submitter. Criteria: Natera Variant Classification Schema (03/2026). Collection method: clinical testing. Allele origin: germline.
Comment: The c.8311C>T variant in DNAH5 is a missense variant predicted to cause substitution of arginine to cysteine at amino acid 2771. This variant is rare in the general population with a frequency below the threshold expected for the associated phenotype(s). This variant has been observed in one or more individuals affected with the associated recessive disease, as either homozygous or compound heterozygous with a second variant (PMID: 33577779, 32253119, 31772028). Computational prediction algorithms indicate this variant is likely to affect gene or protein function. Given the available evidence, this variant is classified as Likely Pathogenic.

Ambry Genetics
Classification: Likely pathogenic for Primary ciliary dyskinesia. Last evaluated: 2025-06-17. Review status: criteria provided, single submitter. Criteria: Ambry Variant Classification Scheme 2023. Collection method: clinical testing. Allele origin: germline.
Comment: The c.8311C>T (p.R2771C) alteration is located in exon 50 (coding exon 50) of the DNAH5 gene. This alteration results from a C to T substitution at nucleotide position 8311, causing the arginine (R) at amino acid position 2771 to be replaced by a cysteine (C). Based on data from gnomAD, the T allele has an overall frequency of 0.004% (10/282670) total alleles studied. The highest observed frequency was 0.014% (5/35422) of Latino alleles. This variant has been identified in the homozygous state and/or in conjunction with other DNAH5 variant(s) in individual(s) with features consistent with DNAH5-related primary ciliary dyskinesia; in at least one instance, the variants were identified in trans (Blanchon, 2020; Baz-Red&oacute;n, 2021; Guan, 2021). This amino acid position is highly conserved in available vertebrate species. The in silico prediction for this alteration is inconclusive. Based on the available evidence, this alteration is classified as likely pathogenic.

Labcorp Genetics (formerly Invitae), Labcorp
Classification: Pathogenic for Primary ciliary dyskinesia. Last evaluated: 2024-09-27. Review status: criteria provided, single submitter. Criteria: Invitae Variant Classification Sherloc (09022015). Collection method: clinical testing. Allele origin: germline.
Comment: This sequence change replaces arginine, which is basic and polar, with cysteine, which is neutral and slightly polar, at codon 2771 of the DNAH5 protein (p.Arg2771Cys). This variant is present in population databases (rs769557047, gnomAD 0.01%). This missense change has been observed in individual(s) with clinical features of primary ciliary dyskinesia (PMID: 31772028, 33577779; internal data). In at least one individual the data is consistent with being in trans (on the opposite chromosome) from a pathogenic variant. ClinVar contains an entry for this variant (Variation ID: 1762881). Invitae Evidence Modeling of protein sequence and biophysical properties (such as structural, functional, and spatial information, amino acid conservation, physicochemical variation, residue mobility, and thermodynamic stability) has been performed for this missense variant. However, the output from this modeling did not meet the statistical confidence thresholds required to predict the impact of this variant on DNAH5 protein function. This variant disrupts the p.Arg2771 amino acid residue in DNAH5. Other variant(s) that disrupt this residue have been observed in individuals with DNAH5-related conditions (internal data), which suggests that this may be a clinically significant amino acid residue. For these reasons, this variant has been classified as Pathogenic.

New York Genome Center
Classification: Likely pathogenic for Primary ciliary dyskinesia 3. Last evaluated: 2022-07-01. Review status: criteria provided, single submitter. Criteria: NYGC Assertion Criteria 2020. Collection method: clinical testing. Allele origin: inherited. Affected: yes. Observed: 1 compound heterozygote. Study: PrenatalSEQ.
Comment: The inherited c.8311C>T variant has previously been reported in the literature in multiple individuals with primary ciliary dyskinesia phenotype in trans to non-sense, frameshift, and missense variants [PMID: 33577779, 31772028, 32253119]. The c.8311C>T variant is observed in 31 alleles (0.0039% minor allele frequency with 0 homozygotes) in population databases (gnomAD v2.1.1 and v3.1.2, TOPMed Freeze 8, All of US), suggesting it is not a common benign variant in the populations represented in those databases. The c.8311C>T variant is located in exon 50 of this 79-exon gene and is predicted to replace an evolutionarily conserved arginine amino acid with cysteine at position 2771 p.Arg2771Cys in the encoded protein. In silico predictions are inconclusive of the variant's effect [(CADD v1.6 = 32, REVEL = 0.581)]; however, there are no functional studies to support or refute these predictions. A different missense variant p.Arg2771His affecting the same amino acid has been reported in ClinVar [ClinVar ID:407215] as a Variant of Uncertain Significance with primary ciliary dyskinesia. Based on available evidence this inherited c.8311C>T p.Arg2771Cys variant identified in DNAH5 is classified as Likely Pathogenic.

Blueprint Genetics
Classification: Uncertain significance. Last evaluated: 2019-12-17. Review status: criteria provided, single submitter. Criteria: ACMG Guidelines, 2015. Collection method: clinical testing. Allele origin: germline.

Literature cited by the submitters: PubMed 31772028 (cited by 6 submitters); PubMed 33577779 (cited by 6 submitters); PubMed 32253119 (cited by 5 submitters); PubMed 40033371 (cited by Dasa).

NM_001369.3(DNAH5):c.8311C>T (p.Arg2771Cys)

Gene: DNAH5 (dynein axonemal heavy chain 5; minus strand). Cytogenetic location: 5p15.2.
Variant type: single nucleotide variant.
Coding change: c.8311C>T on transcript NM_001369.3 (MANE Select); coding-DNA position 8311, C replaced by T.
Protein change: p.Arg2771Cys; replaces arginine 2771 with cysteine.
Molecular consequence: missense variant.
Genome position (GRCh38, 1-based): chr5:13,792,131, G>A on the plus strand (C>T on the coding strand, the complement: DNAH5 is on the minus strand). VCF-style: chr5-13792131-G-A. GRCh37 (hg19) VCF-style: chr5-13792240-G-A.
Other names: short protein forms R2771C.
Identifiers: ClinVar variation 1762881 (VCV001762881.14), dbSNP rs769557047, ClinGen allele CA3202846.